The following is an entry in ClinVar:

NM_017654.4(SAMD9):c.3798G>C (p.Lys1266Asn)

Gene: SAMD9 (sterile alpha motif domain containing 9; minus strand). Cytogenetic location: 7q21.2.
Variant type: single nucleotide variant.
Coding change: c.3798G>C on transcript NM_017654.4 (MANE Select); coding-DNA position 3798, G replaced by C.
Protein change: p.Lys1266Asn; replaces lysine 1266 with asparagine.
Molecular consequence: missense variant.
Genome position (GRCh38, 1-based): chr7:93,102,300, C>G on the plus strand (G>C on the coding strand, the complement: SAMD9 is on the minus strand). VCF-style: chr7-93102300-C-G. GRCh37 (hg19) VCF-style: chr7-92731613-C-G.
Other names: c.3798G>C, p.Lys1266Asn (NM_001193307.2); short protein forms K1266N.
Identifiers: ClinVar variation 4629982 (VCV004629982.1).

ClinVar aggregate classification (germline): Uncertain significance (1 of 4 stars; one submission).

Conditions:
Inborn genetic diseases. Identifiers: MedGen C0950123, MeSH D030342.

Submission:

Ambry Genetics
Classification: Uncertain significance for Inborn genetic diseases. Last evaluated: 2025-12-07. Review status: criteria provided, single submitter. Criteria: Ambry Variant Classification Scheme 2023. Collection method: clinical testing. Allele origin: germline.
Comment: The p.K1266N variant (also known as c.3798G>C), located in coding exon 1 of the SAMD9 gene, results from a G to C substitution at nucleotide position 3798. The lysine at codon 1266 is replaced by asparagine, an amino acid with similar properties. This amino acid position is conserved. In addition, this alteration is predicted to be tolerated by in silico analysis. Based on the available evidence, the clinical significance of this variant remains unclear.